The following is an entry in ClinVar:

NM_022455.5(NSD1):c.5710C>A (p.Pro1904Thr)

Gene: NSD1 (nuclear receptor binding SET domain protein 1; plus strand). Cytogenetic location: 5q35.3.
Variant type: single nucleotide variant.
Coding change: c.5710C>A on transcript NM_022455.5 (MANE Select); coding-DNA position 5710, C replaced by A.
Protein change: p.Pro1904Thr; replaces proline 1904 with threonine.
Molecular consequence: missense variant.
Genome position (GRCh38, 1-based): chr5:177,280,652, C>A. VCF-style: chr5-177280652-C-A. GRCh37 (hg19) VCF-style: chr5-176707653-C-A.
Other names: c.4837C>A, p.Pro1613Thr (NM_001365684.2, NM_001409308.1, NM_001409309.1 and 1 more transcripts); c.5710C>A, p.Pro1904Thr (NM_001409301.1, NM_001409302.1, NM_001409303.1); c.5290C>A, p.Pro1764Thr (NM_001409304.1); c.4957C>A, p.Pro1653Thr (NM_001409305.1); c.4948C>A, p.Pro1650Thr (NM_001409306.1, NM_001409307.1); short protein forms P1613T, P1653T, P1904T, P1650T, P1635T, P1764T.
Identifiers: ClinVar variation 2044365 (VCV002044365.4), dbSNP rs2480779370, ClinGen allele CA362312649.

ClinVar aggregate classification (germline): Uncertain significance (1 of 4 stars; one submission).

Submission:

Labcorp Genetics (formerly Invitae), Labcorp
Classification: Uncertain significance. Last evaluated: 2022-06-04. Review status: criteria provided, single submitter. Criteria: Invitae Variant Classification Sherloc (09022015). Collection method: clinical testing. Allele origin: germline.
Comment: In summary, the available evidence is currently insufficient to determine the role of this variant in disease. Therefore, it has been classified as a Variant of Uncertain Significance. Advanced modeling of protein sequence and biophysical properties (such as structural, functional, and spatial information, amino acid conservation, physicochemical variation, residue mobility, and thermodynamic stability) performed at Invitae indicates that this missense variant is expected to disrupt NSD1 protein function. This variant has not been reported in the literature in individuals affected with NSD1-related conditions. This variant is not present in population databases (gnomAD no frequency). This sequence change replaces proline, which is neutral and non-polar, with threonine, which is neutral and polar, at codon 1904 of the NSD1 protein (p.Pro1904Thr).